The following is an entry in ClinVar:

ClinVar aggregate classification (germline): Uncertain significance (0 of 4 stars; one submission).

Submission:

Leiden Open Variation Database
Classification: Uncertain significance. Last evaluated: 2018-10-10. Review status: no assertion criteria provided. Collection method: curation. Allele origin: germline. Affected: yes.
Comment: Curators: Marc Tischkowitz, Arleen D. Auerbach. Submitter to LOVD: Yukihide Momozawa.

Literature cited by the submitters: PubMed 30287823.

NM_024675.4(PALB2):c.815A>G (p.Glu272Gly)

Gene: PALB2 (partner and localizer of BRCA2; minus strand). Cytogenetic location: 16p12.2.
Variant type: single nucleotide variant.
Coding change: c.815A>G on transcript NM_024675.4 (MANE Select); coding-DNA position 815, A replaced by G.
Protein change: p.Glu272Gly; replaces glutamic acid 272 with glycine.
Molecular consequence: missense variant.
Genome position (GRCh38, 1-based): chr16:23,635,731, T>C on the plus strand (A>G on the coding strand, the complement: PALB2 is on the minus strand). VCF-style: chr16-23635731-T-C. GRCh37 (hg19) VCF-style: chr16-23647052-T-C.
Other names: short protein forms E272G.
Identifiers: ClinVar variation 830122 (VCV000830122.1), dbSNP rs1967018652, ClinGen allele CA395135983.